The following is an entry in ClinVar:

NM_003334.4(UBA1):c.1173T>C (p.Ala391=)

Gene: UBA1 (ubiquitin like modifier activating enzyme 1; plus strand). Cytogenetic location: Xp11.3.
Variant type: single nucleotide variant.
Coding change: c.1173T>C on transcript NM_003334.4 (MANE Select); coding-DNA position 1173, T replaced by C.
Protein change: p.Ala391=; no amino-acid change (alanine 391 retained).
Molecular consequence: synonymous variant.
Genome position (GRCh38, 1-based): chrX:47,202,754, T>C. VCF-style: chrX-47202754-T-C. GRCh37 (hg19) VCF-style: chrX-47062153-T-C.
Other names: c.1173T>C, p.Ala391= (NM_153280.3).
Identifiers: ClinVar variation 702353 (VCV000702353.13), dbSNP rs781783732, ClinGen allele CA10395856.

ClinVar aggregate classification (germline): Benign/Likely benign. Review status: criteria provided, multiple submitters, no conflicts (2 of 4 stars). 2 submissions from 2 submitters: Benign (1); Likely benign (1). Last evaluated 2026-01-10.

Conditions:
Infantile-onset X-linked spinal muscular atrophy. Also called: SPINAL MUSCULAR ATROPHY, X-LINKED LETHAL INFANTILE; Spinal Muscular Atrophy, X-Linked Infantile; Spinal muscular atrophy, X-linked 2; AMC, DISTAL, X-LINKED; ARTHROGRYPOSIS, X-LINKED, TYPE I. Identifiers: Orphanet 1145, MedGen C1844934, MONDO:0010532, OMIM 301830.

Allele frequency attached by ClinVar (database versions not stated): gnomAD 0.00002; gnomAD exomes 0.00002 and 0.00009; TOPMed 0.00005; ExAC 0.00009.
gnomAD v4.1: 18 of 1,208,809 alleles (0.0015%); highest among the groups gnomAD compares: Admixed American, 0.039%; no homozygotes.

Submissions (2):

Labcorp Genetics (formerly Invitae), Labcorp
Classification: Benign for Infantile-onset X-linked spinal muscular atrophy. Last evaluated: 2026-01-10. Review status: criteria provided, single submitter. Criteria: Invitae Variant Classification Sherloc (09022015). Collection method: clinical testing. Allele origin: germline.

CeGaT Center for Human Genetics Tuebingen
Classification: Likely benign. Last evaluated: 2026-01-01. Review status: criteria provided, single submitter. Criteria: CeGaT Center For Human Genetics Tuebingen Variant Classification Criteria Version 2. Collection method: clinical testing. Allele origin: germline. Affected: yes. Observed: 1 variant allele.
Comment: UBA1: BP4, BP7, BS2